The following is an entry in ClinVar:

NM_000542.5(SFTPB):c.1028C>T (p.Thr343Met)

Gene: SFTPB (surfactant protein B; minus strand). Cytogenetic location: 2p11.2.
Variant type: single nucleotide variant.
Coding change: c.1028C>T on transcript NM_000542.5 (MANE Select); coding-DNA position 1028, C replaced by T.
Protein change: p.Thr343Met; replaces threonine 343 with methionine.
Molecular consequence: missense variant. On other transcripts: intron variant (1).
Genome position (GRCh38, 1-based): chr2:85,662,084, G>A on the plus strand (C>T on the coding strand, the complement: SFTPB is on the minus strand). VCF-style: chr2-85662084-G-A. GRCh37 (hg19) VCF-style: chr2-85889207-G-A.
Other names: c.1028C>T, p.Thr343Met (NM_198843.4); c.1002+1262C>T (NM_001367281.1); short protein forms T343M.
Identifiers: ClinVar variation 1368943 (VCV001368943.10), dbSNP rs567506649, ClinGen allele CA1743833.

ClinVar aggregate classification (germline): Uncertain significance. Review status: criteria provided, multiple submitters, no conflicts (2 of 4 stars). 3 submissions from 3 submitters: Uncertain significance (3). Last evaluated 2023-09-23.

Conditions:
Hereditary pulmonary alveolar proteinosis. Also called: Pulmonary surfactant metabolism dysfunction. Identifiers: Orphanet 264675, MedGen C3711368, MONDO:0012580.

Allele frequency attached by ClinVar (database versions not stated): gnomAD 0.00008 and 0.00009; 1000 Genomes Project 30x 0.00031; gnomAD exomes 0.00009 and 0.00005; ExAC 0.00012; TOPMed 0.00009; 1000 Genomes Project 0.00040.

Submissions (3):

Ambry Genetics
Classification: Uncertain significance for Hereditary pulmonary alveolar proteinosis. Last evaluated: 2023-09-23. Review status: criteria provided, single submitter. Criteria: Ambry Variant Classification Scheme 2023. Collection method: clinical testing. Allele origin: germline.

Labcorp Genetics (formerly Invitae), Labcorp
Classification: Uncertain significance. Last evaluated: 2021-01-16. Review status: criteria provided, single submitter. Criteria: Invitae Variant Classification Sherloc (09022015). Collection method: clinical testing. Allele origin: germline.
Comment: This sequence change replaces threonine with methionine at codon 355 of the SFTPB protein (p.Thr355Met). The threonine residue is weakly conserved and there is a moderate physicochemical difference between threonine and methionine. This variant is present in population databases (rs567506649, ExAC 0.08%). This variant has not been reported in the literature in individuals with SFTPB-related conditions. Algorithms developed to predict the effect of missense changes on protein structure and function output the following: SIFT: "Tolerated"; PolyPhen-2: "Benign"; Align-GVGD: "Class C0". The methionine amino acid residue is found in multiple mammalian species, suggesting that this missense change does not adversely affect protein function. These predictions have not been confirmed by published functional studies and their clinical significance is uncertain. In summary, the available evidence is currently insufficient to determine the role of this variant in disease. Therefore, it has been classified as a Variant of Uncertain Significance.

Breakthrough Genomics
Classification: Uncertain significance. Review status: criteria provided, single submitter. Criteria: ACMG Guidelines, 2015. Collection method: not provided. Allele origin: germline. Inheritance: Autosomal recessive inheritance. Affected: yes.